The following is an entry in ClinVar:

ClinVar aggregate classification (germline): Uncertain significance. Review status: criteria provided, multiple submitters, no conflicts (2 of 4 stars). 2 submissions from 2 submitters: Uncertain significance (2). Last evaluated 2024-03-20.

Conditions:
Inborn genetic diseases. Identifiers: MedGen C0950123, MeSH D030342.

Allele frequency attached by ClinVar (database versions not stated): 1000 Genomes Project 0.00020; TOPMed 0.00005; ESP Exome Variant Server 0.00016; 1000 Genomes Project 30x 0.00016.
gnomAD v4.1: 172 of 1,584,528 alleles (0.011%); highest among the groups gnomAD compares: Admixed American, 0.014%; no homozygotes.

Submissions (2):

GeneDx
Classification: Uncertain significance. Last evaluated: 2024-03-20. Review status: criteria provided, single submitter. Criteria: GeneDx Variant Classification Process June 2021. Collection method: clinical testing. Allele origin: germline. Affected: yes.
Comment: In silico analysis supports that this missense variant has a deleterious effect on protein structure/function; Has not been previously published as pathogenic or benign to our knowledge

Ambry Genetics
Classification: Uncertain significance for Inborn genetic diseases. Last evaluated: 2018-10-02. Review status: criteria provided, single submitter. Criteria: Ambry exome assertion method (8-5-2015). Collection method: clinical testing. Allele origin: germline. Affected: yes. Observed: 1 variant allele.

Literature cited by the submitters: PubMed 25062847 (cited by Ambry Genetics).

NM_001080414.4(CCDC88C):c.1390C>T (p.Arg464Cys)

Gene: CCDC88C (coiled-coil domain containing 88C; minus strand). Cytogenetic location: 14q32.11.
Variant type: single nucleotide variant.
Coding change: c.1390C>T on transcript NM_001080414.4 (MANE Select); coding-DNA position 1390, C replaced by T.
Protein change: p.Arg464Cys; replaces arginine 464 with cysteine.
Molecular consequence: missense variant.
Genome position (GRCh38, 1-based): chr14:91,321,257, G>A on the plus strand (C>T on the coding strand, the complement: CCDC88C is on the minus strand). VCF-style: chr14-91321257-G-A. GRCh37 (hg19) VCF-style: chr14-91787601-G-A.
Other names: short protein forms R464C.
Identifiers: ClinVar variation 985188 (VCV000985188.4), dbSNP rs371123543, ClinGen allele CA7309911.